The following is an entry in ClinVar:

NM_001042492.3(NF1):c.4292C>T (p.Pro1431Leu)

Gene: NF1 (neurofibromin 1; plus strand). Cytogenetic location: 17q11.2.
Variant type: single nucleotide variant.
Coding change: c.4292C>T on transcript NM_001042492.3 (MANE Select); coding-DNA position 4292, C replaced by T.
Protein change: p.Pro1431Leu; replaces proline 1431 with leucine.
Molecular consequence: missense variant.
Genome position (GRCh38, 1-based): chr17:31,258,462, C>T. VCF-style: chr17-31258462-C-T. GRCh37 (hg19) VCF-style: chr17-29585480-C-T.
Other names: c.4229C>T, p.Pro1410Leu (NM_000267.4); short protein forms P1431L, P1410L.
Identifiers: ClinVar variation 968300 (VCV000968300.10), dbSNP rs2067623603, ClinGen allele CA398998042.
Genomic context (GRCh38, chr17:31,258,462, plus strand): 5'-TCAGATTTATCAATCCTGCCATTGTCTCACCGTATGAAGCAGGGATTTTAGATAAAAAGC[C>T]ACCACCTAGAATCGAAAGGGGCTTGAAGTTAATGTCAAAGGTGAATTATTTTGATAATCT-3'
Protein context (NP_001035957.1, residues 1421-1441): PYEAGILDKK[Pro1431Leu]PPRIERGLKL

ClinVar aggregate classification (germline): Uncertain significance. Review status: criteria provided, multiple submitters, no conflicts (2 of 4 stars). 3 submissions from 3 submitters: Uncertain significance (3). Last evaluated 2025-10-23.

Conditions:
Cardiovascular phenotype. Identifiers: MedGen CN230736.
Hereditary cancer-predisposing syndrome. Also called: Neoplastic Syndromes, Hereditary; Hereditary neoplastic syndrome; Tumor predisposition; Hereditary Cancer Syndrome. Identifiers: Orphanet 140162, MedGen C0027672, MeSH D009386, MONDO:0015356.
Neurofibromatosis, type 1 (NF1). Also called: VON RECKLINGHAUSEN DISEASE; Neurofibromatosis, type I; NEUROFIBROMATOSIS, TYPE I, SOMATIC; Peripheral type neurofibromatosis. Identifiers: Orphanet 636, MedGen C0027831, MONDO:0018975, OMIM 162200. Disease mechanism: loss of function.

Submissions (3):

Labcorp Genetics (formerly Invitae), Labcorp
Classification: Uncertain significance for Neurofibromatosis, type 1. Last evaluated: 2025-10-23. Review status: criteria provided, single submitter. Criteria: Invitae Variant Classification Sherloc (09022015). Collection method: clinical testing. Allele origin: germline.
Comment: This sequence change replaces proline, which is neutral and non-polar, with leucine, which is neutral and non-polar, at codon 1410 of the NF1 protein (p.Pro1410Leu). This variant is not present in population databases (gnomAD no frequency). This variant has not been reported in the literature in individuals affected with NF1-related conditions. ClinVar contains an entry for this variant (Variation ID: 968300). Invitae Evidence Modeling of protein sequence and biophysical properties (such as structural, functional, and spatial information, amino acid conservation, physicochemical variation, residue mobility, and thermodynamic stability) indicates that this missense variant is expected to disrupt NF1 protein function with a positive predictive value of 95%. In summary, the available evidence is currently insufficient to determine the role of this variant in disease. Therefore, it has been classified as a Variant of Uncertain Significance.

Greenwood Genetic Center Diagnostic Laboratories, Greenwood Genetic Center
Classification: Uncertain significance. Last evaluated: 2025-10-02. Review status: criteria provided, single submitter. Criteria: ACMG Guidelines, 2015. Collection method: clinical testing. Allele origin: germline. Affected: yes.
Comment: PM2, PP2

Ambry Genetics
Classification: Uncertain significance for Cardiovascular phenotype; Hereditary cancer-predisposing syndrome. Last evaluated: 2020-05-05. Review status: criteria provided, single submitter. Criteria: Ambry Variant Classification Scheme 2023. Collection method: clinical testing. Allele origin: germline.
Comment: The p.P1410L variant (also known as c.4229C>T), located in coding exon 31 of the NF1 gene, results from a C to T substitution at nucleotide position 4229. The proline at codon 1410 is replaced by leucine, an amino acid with similar properties. This amino acid position is highly conserved in available vertebrate species. In addition, the in silico prediction for this alteration is inconclusive. Since supporting evidence is limited at this time, the clinical significance of this alteration remains unclear.